The following is an entry in ClinVar:

ClinVar aggregate classification (germline): Uncertain significance. Review status: criteria provided, multiple submitters, no conflicts (2 of 4 stars). 2 submissions from 2 submitters: Uncertain significance (2). Last evaluated 2023-05-07.

Conditions:
Dyskeratosis congenita, autosomal dominant 2. Identifiers: MedGen C3151443, MONDO:0013521, OMIM 613989.
Idiopathic Pulmonary Fibrosis. Also called: Idiopathic fibrosing alveolitis, chronic form; idiopathic fibrosing alveolitis. Identifiers: Orphanet 2032, MedGen C1800706, MeSH D054990, MONDO:0800504.
Dyskeratosis congenita. Identifiers: Orphanet 1775, MedGen C0265965, MONDO:0015780.

Submissions (2):

Labcorp Genetics (formerly Invitae), Labcorp
Classification: Uncertain significance for Dyskeratosis congenita, autosomal dominant 2; Idiopathic Pulmonary Fibrosis. Last evaluated: 2023-05-07. Review status: criteria provided, single submitter. Criteria: Invitae Variant Classification Sherloc (09022015). Collection method: clinical testing. Allele origin: germline.
Comment: In summary, the available evidence is currently insufficient to determine the role of this variant in disease. Therefore, it has been classified as a Variant of Uncertain Significance. This variant disrupts the p.Gly110 amino acid residue in TERT. Other variant(s) that disrupt this residue have been determined to be pathogenic (PMID: 26024875, 34019641; Invitae). This suggests that this residue is clinically significant, and that variants that disrupt this residue are likely to be disease-causing. Algorithms developed to predict the effect of missense changes on protein structure and function output the following: SIFT: "Not Available"; PolyPhen-2: "Benign"; Align-GVGD: "Not Available". The aspartic acid amino acid residue is found in multiple mammalian species, which suggests that this missense change does not adversely affect protein function. ClinVar contains an entry for this variant (Variation ID: 1729933). This variant has not been reported in the literature in individuals affected with TERT-related conditions. This variant is not present in population databases (gnomAD no frequency). This sequence change replaces glycine, which is neutral and non-polar, with aspartic acid, which is acidic and polar, at codon 110 of the TERT protein (p.Gly110Asp).

Ambry Genetics
Classification: Uncertain significance for Dyskeratosis congenita. Last evaluated: 2022-05-07. Review status: criteria provided, single submitter. Criteria: Ambry Variant Classification Scheme 2023. Collection method: clinical testing. Allele origin: germline.
Comment: The p.G110D variant (also known as c.329G>A), located in coding exon 2 of the TERT gene, results from a G to A substitution at nucleotide position 329. The glycine at codon 110 is replaced by aspartic acid, an amino acid with similar properties. This amino acid position is conserved. In addition, the in silico prediction for this alteration is inconclusive. Since supporting evidence is limited at this time, the clinical significance of this alteration remains unclear.

Literature cited by the submitters: PubMed 26024875 (cited by Labcorp Genetics (formerly Invitae), Labcorp); PubMed 34019641 (cited by Labcorp Genetics (formerly Invitae), Labcorp).

NM_198253.3(TERT):c.329G>A (p.Gly110Asp)

Gene: TERT (telomerase reverse transcriptase; minus strand). Cytogenetic location: 5p15.33.
Variant type: single nucleotide variant.
Coding change: c.329G>A on transcript NM_198253.3 (MANE Select); coding-DNA position 329, G replaced by A.
Protein change: p.Gly110Asp; replaces glycine 110 with aspartic acid.
Molecular consequence: missense variant. On other transcripts: non-coding transcript variant (2).
Genome position (GRCh38, 1-based): chr5:1,294,557, C>T on the plus strand (G>A on the coding strand, the complement: TERT is on the minus strand). VCF-style: chr5-1294557-C-T. GRCh37 (hg19) VCF-style: chr5-1294672-C-T.
Other names: c.329G>A, p.Gly110Asp (NM_001193376.3, NM_003219.1); short protein forms G110D.
Identifiers: ClinVar variation 1729933 (VCV001729933.7), dbSNP rs1751262771, ClinGen allele CA359058279.